The following is an entry in ClinVar:

ClinVar aggregate classification (germline): Uncertain significance (1 of 4 stars; one submission).

Submission:

GeneDx
Classification: Uncertain significance. Last evaluated: 2015-04-01. Review status: criteria provided, single submitter. Criteria: GeneDx Variant Classification (06012015). Collection method: clinical testing. Allele origin: germline. Affected: yes.
Comment: IVS38-3 T>A : c.4949-3 T>A in intron 38 of the FBN2 gene (NM_001999.3) The c.4949-3 T>A variant has not been published as a mutation or been reported as a benign polymorphism to our knowledge. The c.4949-3 T>A variant was not observed in approximately 6500 individuals of European and African American ancestry in the NHLBI Exome Sequencing Project, indicating it is not a common benign variant in these populations. Other splice site mutations in the FBN2 gene have been reported in association with CCA. Splicing algorithms predict c.4949-3 T>A may damage the natural splice acceptor site of intron 38. However, this substitution occurs at a position that is not conserved across species. Furthermore, in the absence of functional mRNA studies, the physiological consequence of this variant cannot be precisely determined. Therefore, based on the currently available information, it is unclear whether this variant is a pathogenic mutation or a rare benign variant. This variant was found in TAADV2-1

NM_001999.4(FBN2):c.4949-3T>A

Gene: FBN2 (fibrillin 2; minus strand). Cytogenetic location: 5q23.3.
Variant type: single nucleotide variant.
Coding change: c.4949-3T>A on transcript NM_001999.4 (MANE Select); 3 bases into the intron before coding-DNA position 4949, T replaced by A.
Molecular consequence: intron variant.
Genome position (GRCh38, 1-based): chr5:128,311,428, A>T on the plus strand (T>A on the coding strand, the complement: FBN2 is on the minus strand). VCF-style: chr5-128311428-A-T. GRCh37 (hg19) VCF-style: chr5-127647120-A-T.
Identifiers: ClinVar variation 213335 (VCV000213335.2), dbSNP rs863223576, ClinGen allele CA320290.